The following is an entry in ClinVar:

ClinVar aggregate classification (germline): Uncertain significance (1 of 4 stars; one submission).

Allele frequency attached by ClinVar (database versions not stated): gnomAD exomes below 0.00001 and 0.00001; gnomAD 0.00001 and 0.00002; TOPMed 0.00002.
gnomAD v4.1: 5 of 1,614,044 alleles (0.00031%); highest among the groups gnomAD compares: Non-Finnish European, 0.00042%; no homozygotes.

Submission:

Labcorp Genetics (formerly Invitae), Labcorp
Classification: Uncertain significance. Last evaluated: 2023-09-27. Review status: criteria provided, single submitter. Criteria: Invitae Variant Classification Sherloc (09022015). Collection method: clinical testing. Allele origin: germline.
Comment: In summary, the available evidence is currently insufficient to determine the role of this variant in disease. Therefore, it has been classified as a Variant of Uncertain Significance. An algorithm developed to predict the effect of missense changes on protein structure and function (PolyPhen-2) suggests that this variant is likely to be disruptive. ClinVar contains an entry for this variant (Variation ID: 1683122). This variant has not been reported in the literature in individuals affected with MKL1-related conditions. This variant is present in population databases (no rsID available, gnomAD 0.002%). This sequence change replaces isoleucine, which is neutral and non-polar, with phenylalanine, which is neutral and non-polar, at codon 274 of the MKL1 protein (p.Ile274Phe).

NM_020831.6(MRTFA):c.1120A>T (p.Ile374Phe)

Gene: MRTFA (myocardin related transcription factor A; minus strand). Cytogenetic location: 22q13.1.
Variant type: single nucleotide variant.
Coding change: c.1120A>T on transcript NM_020831.6 (MANE Select); coding-DNA position 1120, A replaced by T.
Protein change: p.Ile374Phe; replaces isoleucine 374 with phenylalanine.
Molecular consequence: missense variant.
Genome position (GRCh38, 1-based): chr22:40,420,908, T>A on the plus strand (A>T on the coding strand, the complement: MRTFA is on the minus strand). VCF-style: chr22-40420908-T-A. GRCh37 (hg19) VCF-style: chr22-40816912-T-A.
Other names: c.970A>T, p.Ile324Phe (NM_001282661.3); c.1120A>T, p.Ile374Phe (NM_001282662.3); c.925A>T, p.Ile309Phe (NM_001318139.2); c.820A>T, p.Ile274Phe (NM_001282660.2); short protein forms I274F, I309F, I324F, I374F.
Identifiers: ClinVar variation 1683122 (VCV001683122.6), dbSNP rs1421298099, ClinGen allele CA411664058.